The following is an entry in ClinVar:

NM_177438.3(DICER1):c.2552A>C (p.Gln851Pro)

Gene: DICER1 (dicer 1, ribonuclease III; minus strand). Cytogenetic location: 14q32.13.
Variant type: single nucleotide variant.
Coding change: c.2552A>C on transcript NM_177438.3 (MANE Select); coding-DNA position 2552, A replaced by C.
Protein change: p.Gln851Pro; replaces glutamine 851 with proline.
Molecular consequence: missense variant.
Genome position (GRCh38, 1-based): chr14:95,107,978, T>G on the plus strand (A>C on the coding strand, the complement: DICER1 is on the minus strand). VCF-style: chr14-95107978-T-G. GRCh37 (hg19) VCF-style: chr14-95574315-T-G.
Other names: c.2552A>C, p.Gln851Pro (NM_001195573.1, NM_001271282.3, NM_001291628.2 and 1 more transcripts); c.2552A>C (NM_177438.2); short protein forms Q851P.
Identifiers: ClinVar variation 1396765 (VCV001396765.8), dbSNP rs2140024741, ClinGen allele CA390881739.

ClinVar aggregate classification (germline): Uncertain significance. Review status: criteria provided, multiple submitters, no conflicts (2 of 4 stars). 2 submissions from 2 submitters: Uncertain significance (2). Last evaluated 2025-11-03.

Conditions:
DICER1-related tumor predisposition. Also called: DICER1 syndrome; DICER1-related pleuropulmonary blastoma cancer predisposition syndrome. Identifiers: Orphanet 284343, MedGen C3839822, MONDO:0100216.
Hereditary cancer-predisposing syndrome. Also called: Hereditary neoplastic syndrome; Neoplastic Syndromes, Hereditary; Hereditary Cancer Syndrome; Tumor predisposition. Identifiers: Orphanet 140162, MedGen C0027672, MeSH D009386, MONDO:0015356.

Submissions (2):

Labcorp Genetics (formerly Invitae), Labcorp
Classification: Uncertain significance for DICER1-related tumor predisposition. Last evaluated: 2025-11-03. Review status: criteria provided, single submitter. Criteria: Invitae Variant Classification Sherloc (09022015). Collection method: clinical testing. Allele origin: germline.
Comment: This sequence change replaces glutamine, which is neutral and polar, with proline, which is neutral and non-polar, at codon 851 of the DICER1 protein (p.Gln851Pro). This variant is not present in population databases (gnomAD no frequency). This variant has not been reported in the literature in individuals affected with DICER1-related conditions. ClinVar contains an entry for this variant (Variation ID: 1396765). Invitae Evidence Modeling of protein sequence and biophysical properties (such as structural, functional, and spatial information, amino acid conservation, physicochemical variation, residue mobility, and thermodynamic stability) indicates that this missense variant is not expected to disrupt DICER1 protein function with a negative predictive value of 95%. In summary, the available evidence is currently insufficient to determine the role of this variant in disease. Therefore, it has been classified as a Variant of Uncertain Significance.

Ambry Genetics
Classification: Uncertain significance for Hereditary cancer-predisposing syndrome. Last evaluated: 2025-05-14. Review status: criteria provided, single submitter. Criteria: Ambry Variant Classification Scheme 2023. Collection method: clinical testing. Allele origin: germline.